The following is an entry in ClinVar:

NM_152906.7(TANGO2):c.10A>C (p.Ile4Leu)

Gene: TANGO2 (transport and golgi organization 2 homolog; plus strand). Cytogenetic location: 22q11.21.
Variant type: single nucleotide variant.
Coding change: c.10A>C on transcript NM_152906.7 (MANE Select); coding-DNA position 10, A replaced by C.
Protein change: p.Ile4Leu; replaces isoleucine 4 with leucine.
Molecular consequence: missense variant. On other transcripts: 5 prime UTR variant (20), non-coding transcript variant (5).
Genome position (GRCh38, 1-based): chr22:20,036,808, A>C. VCF-style: chr22-20036808-A-C. GRCh37 (hg19) VCF-style: chr22-20024331-A-C.
Other names: c.10A>C, p.Ile4Leu (NM_001283106.3, NM_001283116.3, NM_001283148.3 and 10 more transcripts); c.-108A>C (NM_001283129.3, NM_001283215.3, NM_001322141.2 and 5 more transcripts); c.-170A>C (NM_001283235.3, NM_001322146.2, NM_001322153.2 and 5 more transcripts); c.-410A>C (NM_001322148.2, NM_001322150.2, NM_001322172.2 and 1 more transcripts); short protein forms I4L.
Identifiers: ClinVar variation 1524823 (VCV001524823.8), dbSNP rs1212736790, ClinGen allele CA410690537.

ClinVar aggregate classification (germline): Uncertain significance (1 of 4 stars; one submission).

Submission:

Labcorp Genetics (formerly Invitae), Labcorp
Classification: Uncertain significance. Last evaluated: 2023-08-10. Review status: criteria provided, single submitter. Criteria: Invitae Variant Classification Sherloc (09022015). Collection method: clinical testing. Allele origin: germline.
Comment: This sequence change replaces isoleucine, which is neutral and non-polar, with leucine, which is neutral and non-polar, at codon 4 of the TANGO2 protein (p.Ile4Leu). This variant is not present in population databases (gnomAD no frequency). This variant has not been reported in the literature in individuals affected with TANGO2-related conditions. ClinVar contains an entry for this variant (Variation ID: 1524823). An algorithm developed to predict the effect of missense changes on protein structure and function (PolyPhen-2) suggests that this variant is likely to be tolerated. In summary, the available evidence is currently insufficient to determine the role of this variant in disease. Therefore, it has been classified as a Variant of Uncertain Significance.